The following is an entry in ClinVar:

NM_003919.3(SGCE):c.663C>T (p.Gly221=)

Genes: CASD1 (CAS1 domain sialic acid O acetyltransferase 1; plus strand), SGCE (sarcoglycan epsilon; minus strand). Cytogenetic location: 7q21.3.
Variant type: single nucleotide variant.
Coding change: c.663C>T on transcript NM_003919.3 (MANE Select); coding-DNA position 663, C replaced by T.
Protein change: p.Gly221=; no amino-acid change (glycine 221 retained).
Molecular consequence: synonymous variant.
Genome position (GRCh38, 1-based): chr7:94,603,452, G>A on the plus strand (C>T on the coding strand, the complement: SGCE is on the minus strand). VCF-style: chr7-94603452-G-A. GRCh37 (hg19) VCF-style: chr7-94232764-G-A.
Other names: c.663C>T, p.Gly221= (NM_001099400.2, NM_001099401.2, NM_001346717.2); c.540C>T, p.Gly180= (NM_001301139.2, NM_001362809.2); c.771C>T, p.Gly257= (NM_001346713.2, NM_001346715.2); c.576C>T, p.Gly192= (NM_001346719.2, NM_001362807.2); c.390C>T, p.Gly130= (NM_001346720.2, NM_001362808.2).
Identifiers: ClinVar variation 3677131 (VCV003677131.2).

ClinVar aggregate classification (germline): Uncertain significance (1 of 4 stars; one submission).

Conditions:
Myoclonic dystonia 11 (DYT11). Also called: Myoclonic dystonia; Dystonia 11; Dystonia, alcohol responsive; Hereditary essential myoclonus; SGCE Myoclonus-Dystonia; Myoclonus-Dystonia. Identifiers: Orphanet 36899, MedGen C1834570, MONDO:0008044, OMIM 159900.

gnomAD v4.1: 4 of 1,612,380 alleles (0.00025%); highest among the groups gnomAD compares: South Asian, 0.0011%; no homozygotes.

Submission:

Labcorp Genetics (formerly Invitae), Labcorp
Classification: Uncertain significance for Myoclonic dystonia 11. Last evaluated: 2024-03-03. Review status: criteria provided, single submitter. Criteria: Invitae Variant Classification Sherloc (09022015). Collection method: clinical testing. Allele origin: germline.
Comment: This sequence change affects codon 221 of the SGCE mRNA. It is a 'silent' change, meaning that it does not change the encoded amino acid sequence of the SGCE protein. It affects a nucleotide within the consensus splice site. This variant is present in population databases (rs781270494, gnomAD 0.003%). This variant has not been reported in the literature in individuals affected with SGCE-related conditions. Algorithms developed to predict the effect of sequence changes on RNA splicing suggest that this variant is not likely to affect RNA splicing. In summary, the available evidence is currently insufficient to determine the role of this variant in disease. Therefore, it has been classified as a Variant of Uncertain Significance.